The following is an entry in ClinVar:

NM_003119.4(SPG7):c.2182-914G>A

Gene: SPG7 (SPG7 matrix AAA peptidase subunit, paraplegin; plus strand). Cytogenetic location: 16q24.3.
Variant type: single nucleotide variant.
Coding change: c.2182-914G>A on transcript NM_003119.4 (MANE Select); 914 bases into the intron before coding-DNA position 2182, G replaced by A.
Molecular consequence: intron variant. On other transcripts: synonymous variant (1).
Genome position (GRCh38, 1-based): chr16:89,555,973, G>A. VCF-style: chr16-89555973-G-A. GRCh37 (hg19) VCF-style: chr16-89622381-G-A.
Other names: c.2277G>A, p.Pro759= (NM_001363850.1).
Identifiers: ClinVar variation 4873302 (VCV004873302.2).

ClinVar aggregate classification (germline): Likely benign (1 of 4 stars; one submission).

gnomAD v4.1: 8 of 398,684 alleles (0.002%); highest among the groups gnomAD compares: African/African-American, 0.0062%; no homozygotes.

Submission:

CeGaT Center for Human Genetics Tuebingen
Classification: Likely benign. Last evaluated: 2026-06-01. Review status: criteria provided, single submitter. Criteria: CeGaT Center For Human Genetics Tuebingen Variant Classification Criteria Version 2. Collection method: clinical testing. Allele origin: germline. Affected: yes. Observed: 1 variant allele.
Comment: SPG7: BP4, BP7